The following is an entry in ClinVar:

ClinVar aggregate classification (germline): Likely benign (1 of 4 stars; one submission).

Allele frequency attached by ClinVar (database versions not stated): ExAC 0.00012; 1000 Genomes Project 30x 0.00078; 1000 Genomes Project 0.00080.
gnomAD v4.1: 86 of 1,614,062 alleles (0.0053%); highest among the groups gnomAD compares: East Asian, 0.049%; no homozygotes.

Submission:

CeGaT Center for Human Genetics Tuebingen
Classification: Likely benign. Last evaluated: 2022-08-01. Review status: criteria provided, single submitter. Criteria: CeGaT Center For Human Genetics Tuebingen Variant Classification Criteria Version 2. Collection method: clinical testing. Allele origin: germline. Affected: yes. Observed: 1 variant allele.
Comment: CPAMD8: BP4, BP7

NM_015692.5(CPAMD8):c.2994C>T (p.Ile998=)

Gene: CPAMD8 (C3 and PZP like alpha-2-macroglobulin domain containing 8; minus strand). Cytogenetic location: 19p13.11.
Variant type: single nucleotide variant.
Coding change: c.2994C>T on transcript NM_015692.5 (MANE Select); coding-DNA position 2994, C replaced by T.
Protein change: p.Ile998=; no amino-acid change (isoleucine 998 retained).
Molecular consequence: synonymous variant.
Genome position (GRCh38, 1-based): chr19:16,929,092, G>A on the plus strand (C>T on the coding strand, the complement: CPAMD8 is on the minus strand). VCF-style: chr19-16929092-G-A. GRCh37 (hg19) VCF-style: chr19-17039902-G-A.
Identifiers: ClinVar variation 2649528 (VCV002649528.24), dbSNP rs189784878, ClinGen allele CA9285117.